The following is an entry in ClinVar:

NM_001114753.3(ENG):c.1429-2A>G

Genes: ENG (endoglin; minus strand), LOC102723566 (uncharacterized LOC102723566; plus strand). Cytogenetic location: 9q34.11.
Variant type: single nucleotide variant.
Coding change: c.1429-2A>G on transcript NM_001114753.3 (MANE Select); the canonical splice acceptor site of the intron before coding-DNA position 1429, A replaced by G.
Molecular consequence: splice acceptor variant. On other transcripts: non-coding transcript variant (1).
Genome position (GRCh38, 1-based): chr9:127,818,379, T>C on the plus strand (A>G on the coding strand, the complement: ENG is on the minus strand). VCF-style: chr9-127818379-T-C. GRCh37 (hg19) VCF-style: chr9-130580658-T-C.
Other names: c.1429-2A>G (NM_000118.4); c.883-2A>G (NM_001278138.2).
Identifiers: ClinVar variation 580012 (VCV000580012.10), dbSNP rs1564452759, ClinGen allele CA374976276.

ClinVar aggregate classification (germline): Pathogenic (1 of 4 stars; one submission).

Conditions:
Hereditary hemorrhagic telangiectasia (HHT). Also called: ORW DISEASE; Osler Weber Rendu syndrome; OSLER-RENDU-WEBER DISEASE; Osler hemorrhagic telangiectasia syndrome. Identifiers: Orphanet 774, MedGen C0039445, MONDO:0019180. Disease mechanism: loss of function.

Submission:

Labcorp Genetics (formerly Invitae), Labcorp
Classification: Pathogenic for Hereditary hemorrhagic telangiectasia. Last evaluated: 2022-10-28. Review status: criteria provided, single submitter. Criteria: Invitae Variant Classification Sherloc (09022015). Collection method: clinical testing. Allele origin: germline.
Comment: For these reasons, this variant has been classified as Pathogenic. Algorithms developed to predict the effect of sequence changes on RNA splicing suggest that this variant may disrupt the consensus splice site. ClinVar contains an entry for this variant (Variation ID: 580012). Disruption of this splice site has been observed in individuals with hereditary hemorrhagic telangiectasia (PMID: 15880681, 21158752). This variant is not present in population databases (gnomAD no frequency). This sequence change affects an acceptor splice site in intron 11 of the ENG gene. It is expected to disrupt RNA splicing. Variants that disrupt the donor or acceptor splice site typically lead to a loss of protein function (PMID: 16199547), and loss-of-function variants in ENG are known to be pathogenic (PMID: 15879500).

Literature cited by the submitters: PubMed 15880681; PubMed 21158752; PubMed 16199547; PubMed 15879500.